The following is an entry in ClinVar:

NM_206937.2(LIG4):c.1697C>T (p.Pro566Leu)

Gene: LIG4 (DNA ligase 4; minus strand). Cytogenetic location: 13q33.3.
Variant type: single nucleotide variant.
Coding change: c.1697C>T on transcript NM_206937.2 (MANE Select); coding-DNA position 1697, C replaced by T.
Protein change: p.Pro566Leu; replaces proline 566 with leucine.
Molecular consequence: missense variant.
Genome position (GRCh38, 1-based): chr13:108,209,572, G>A on the plus strand (C>T on the coding strand, the complement: LIG4 is on the minus strand). VCF-style: chr13-108209572-G-A. GRCh37 (hg19) VCF-style: chr13-108861920-G-A.
Other names: c.1697C>T, p.Pro566Leu (NM_001098268.2, NM_001352598.2, NM_001352599.2 and 6 more transcripts); c.1496C>T, p.Pro499Leu (NM_001330595.2); c.1733C>T, p.Pro578Leu (NM_001352604.2); short protein forms P566L, P499L, P578L.
Identifiers: ClinVar variation 2074224 (VCV002074224.4), dbSNP rs1481289157, ClinGen allele CA388616409.

ClinVar aggregate classification (germline): Uncertain significance (1 of 4 stars; one submission).

Conditions:
DNA ligase IV deficiency. Identifiers: Orphanet 99812, MedGen C1847827, MONDO:0011686, OMIM 606593.

Submission:

Labcorp Genetics (formerly Invitae), Labcorp
Classification: Uncertain significance for DNA ligase IV deficiency. Last evaluated: 2024-02-24. Review status: criteria provided, single submitter. Criteria: Invitae Variant Classification Sherloc (09022015). Collection method: clinical testing. Allele origin: germline.
Comment: This sequence change replaces proline, which is neutral and non-polar, with leucine, which is neutral and non-polar, at codon 566 of the LIG4 protein (p.Pro566Leu). This variant is not present in population databases (gnomAD no frequency). This variant has not been reported in the literature in individuals affected with LIG4-related conditions. ClinVar contains an entry for this variant (Variation ID: 2074224). Advanced modeling of protein sequence and biophysical properties (such as structural, functional, and spatial information, amino acid conservation, physicochemical variation, residue mobility, and thermodynamic stability) performed at Invitae indicates that this missense variant is not expected to disrupt LIG4 protein function with a negative predictive value of 80%. In summary, the available evidence is currently insufficient to determine the role of this variant in disease. Therefore, it has been classified as a Variant of Uncertain Significance.